The following is an entry in ClinVar:

NM_006757.4(TNNT3):c.295C>T (p.Arg99Cys)

Gene: TNNT3 (troponin T3, fast skeletal type; plus strand). Cytogenetic location: 11p15.5.
Variant type: single nucleotide variant.
Coding change: c.295C>T on transcript NM_006757.4 (MANE Select); coding-DNA position 295, C replaced by T.
Protein change: p.Arg99Cys; replaces arginine 99 with cysteine.
Molecular consequence: missense variant.
Genome position (GRCh38, 1-based): chr11:1,933,937, C>T. VCF-style: chr11-1933937-C-T. GRCh37 (hg19) VCF-style: chr11-1955167-C-T.
Other names: c.271C>T, p.Arg91Cys (NM_001042780.3, NM_001042782.3, NM_001297646.2 and 2 more transcripts); c.289C>T, p.Arg97Cys (NM_001042781.3, NM_001367842.1, NM_001367843.1); c.304C>T, p.Arg102Cys (NM_001363561.2, NM_001367847.1); c.328C>T, p.Arg110Cys (NM_001367846.1); c.292C>T, p.Arg98Cys (NM_001367848.1); c.283C>T, p.Arg95Cys (NM_001367849.1); c.238C>T, p.Arg80Cys (NM_001367850.1); c.91C>T, p.Arg31Cys (NM_001367851.1, NM_001367852.1); short protein forms R102C, R110C, R91C, R95C, R97C, R99C, R31C, R80C.
Identifiers: ClinVar variation 1957712 (VCV001957712.5), dbSNP rs1219579090, ClinGen allele CA379096829.
Genomic context (GRCh38, chr11:1,933,937, plus strand): 5'-CTCCCTCGGAGGAGCCGGGGACAGGGCTGAGCAGACCCCCTTCTCTGGCTGCAGGAGAAG[C>T]GCCGTGCAGAGAGAGCGGAGCAGCAGAGGATTCGTGCAGAGAAGGAGAGGGAGCGCCAGA-3'
Protein context (NP_006748.1, residues 89-109): LVALKERIEK[Arg99Cys]RAERAEQQRI

ClinVar aggregate classification (germline): Uncertain significance (1 of 4 stars; one submission).

Allele frequency attached by ClinVar (database versions not stated): TOPMed below 0.00001.

Submission:

Labcorp Genetics (formerly Invitae), Labcorp
Classification: Uncertain significance. Last evaluated: 2022-12-17. Review status: criteria provided, single submitter. Criteria: Invitae Variant Classification Sherloc (09022015). Collection method: clinical testing. Allele origin: germline.
Comment: This sequence change replaces arginine, which is basic and polar, with cysteine, which is neutral and slightly polar, at codon 99 of the TNNT3 protein (p.Arg99Cys). This variant is not present in population databases (gnomAD no frequency). This variant has not been reported in the literature in individuals affected with TNNT3-related conditions. Algorithms developed to predict the effect of missense changes on protein structure and function are either unavailable or do not agree on the potential impact of this missense change (SIFT: "Deleterious"; PolyPhen-2: "Probably Damaging"; Align-GVGD: "Class C0"). In summary, the available evidence is currently insufficient to determine the role of this variant in disease. Therefore, it has been classified as a Variant of Uncertain Significance.